The following is an entry in ClinVar:

NM_012388.4(BLOC1S6):c.110G>A (p.Gly37Glu)

Gene: BLOC1S6 (biogenesis of lysosomal organelles complex 1 subunit 6; plus strand). Cytogenetic location: 15q21.1.
Variant type: single nucleotide variant.
Coding change: c.110G>A on transcript NM_012388.4 (MANE Select); coding-DNA position 110, G replaced by A.
Protein change: p.Gly37Glu; replaces glycine 37 with glutamic acid.
Molecular consequence: missense variant. On other transcripts: non-coding transcript variant (5).
Genome position (GRCh38, 1-based): chr15:45,592,162, G>A. VCF-style: chr15-45592162-G-A. GRCh37 (hg19) VCF-style: chr15-45884360-G-A.
Other names: c.125G>A, p.Gly42Glu (NM_001311255.1, NM_001311256.1); short protein forms G37E, G42E.
Identifiers: ClinVar variation 960854 (VCV000960854.9), dbSNP rs1893910592, ClinGen allele CA392298654.

ClinVar aggregate classification (germline): Uncertain significance (1 of 4 stars; one submission).

Conditions:
Hermansky-Pudlak syndrome 9 (HPS9). Identifiers: Orphanet 280663, Orphanet 79430, MedGen C3280026, MONDO:0013606, OMIM 614171.

gnomAD v4.1: 3 of 1,614,102 alleles (0.00019%); highest among the groups gnomAD compares: South Asian, 0.0022%; no homozygotes.

Submission:

Labcorp Genetics (formerly Invitae), Labcorp
Classification: Uncertain significance for Hermansky-Pudlak syndrome 9. Last evaluated: 2022-08-31. Review status: criteria provided, single submitter. Criteria: Invitae Variant Classification Sherloc (09022015). Collection method: clinical testing. Allele origin: germline.
Comment: In summary, the available evidence is currently insufficient to determine the role of this variant in disease. Therefore, it has been classified as a Variant of Uncertain Significance. Algorithms developed to predict the effect of sequence changes on RNA splicing suggest that this variant may create or strengthen a splice site. Algorithms developed to predict the effect of missense changes on protein structure and function are either unavailable or do not agree on the potential impact of this missense change (SIFT: "Deleterious"; PolyPhen-2: "Possibly Damaging"; Align-GVGD: "Class C0"). ClinVar contains an entry for this variant (Variation ID: 960854). This variant has not been reported in the literature in individuals affected with BLOC1S6-related conditions. This variant is not present in population databases (gnomAD no frequency). This sequence change replaces glycine, which is neutral and non-polar, with glutamic acid, which is acidic and polar, at codon 37 of the BLOC1S6 protein (p.Gly37Glu).